The following is an entry in ClinVar:

NM_006231.4(POLE):c.1269T>C (p.Asn423=)

Gene: POLE (DNA polymerase epsilon, catalytic subunit; minus strand). Cytogenetic location: 12q24.33.
Variant type: single nucleotide variant.
Coding change: c.1269T>C on transcript NM_006231.4 (MANE Select); coding-DNA position 1269, T replaced by C.
Protein change: p.Asn423=; no amino-acid change (asparagine 423 retained).
Molecular consequence: synonymous variant.
Genome position (GRCh38, 1-based): chr12:132,673,665, A>G on the plus strand (T>C on the coding strand, the complement: POLE is on the minus strand). VCF-style: chr12-132673665-A-G. GRCh37 (hg19) VCF-style: chr12-133250251-A-G.
Other names: c.1269T>C (NM_006231.2).
Identifiers: ClinVar variation 2788598 (VCV002788598.5), dbSNP rs2542146740, ClinGen allele CA482722815.

ClinVar aggregate classification (germline): Benign/Likely benign. Review status: criteria provided, multiple submitters, no conflicts (2 of 4 stars). 3 submissions from 3 submitters: Benign (1); Likely benign (2). Last evaluated 2026-01-23.

Conditions:
Colorectal cancer, susceptibility to, 12 (CRCS12). Also called: COLORECTAL CANCER, SUSCEPTIBILITY TO, ON CHROMOSOME 12q24. Identifiers: Orphanet 220460, MedGen C3554460, MONDO:0014038, OMIM 615083.
Hereditary cancer-predisposing syndrome. Also called: Tumor predisposition; Neoplastic Syndromes, Hereditary; Hereditary Cancer Syndrome; Hereditary neoplastic syndrome. Identifiers: Orphanet 140162, MedGen C0027672, MeSH D009386, MONDO:0015356.

Allele frequency attached by ClinVar (database versions not stated): gnomAD exomes below 0.00001.
gnomAD v4.1: 1 of 1,613,996 alleles (0.000062%); highest among the groups gnomAD compares: African/African-American, 0.0013%; no homozygotes.

Submissions (3):

Ambry Genetics
Classification: Likely benign for Hereditary cancer-predisposing syndrome. Last evaluated: 2026-01-23. Review status: criteria provided, single submitter. Criteria: Ambry Variant Classification Scheme 2023. Collection method: clinical testing. Allele origin: germline.

Myriad Genetics, Inc.
Classification: Benign for Colorectal cancer, susceptibility to, 12. Last evaluated: 2025-02-10. Review status: criteria provided, single submitter. Criteria: Myriad Autosomal Dominant, Autosomal Recessive and X-Linked Classification Criteria (2023). Collection method: clinical testing. Allele origin: unknown.
Comment: This variant is considered benign. This variant is a silent/synonymous amino acid change and it is not expected to impact splicing.

Labcorp Genetics (formerly Invitae), Labcorp
Classification: Likely benign. Last evaluated: 2023-03-22. Review status: criteria provided, single submitter. Criteria: Invitae Variant Classification Sherloc (09022015). Collection method: clinical testing. Allele origin: germline.